The following is an entry in ClinVar:

NM_138295.5(PKD1L1):c.3011del (p.Ala1004fs)

Gene: PKD1L1 (polycystin 1 like 1, transient receptor potential channel interacting; minus strand). Cytogenetic location: 7p12.3.
Variant type: Deletion.
Coding change: c.3011del on transcript NM_138295.5 (MANE Select); coding-DNA position 3011, one base deleted (C; older notation c.3011delC).
Protein change: p.Ala1004fs; shifts the reading frame from alanine 1004.
Molecular consequence: frameshift variant.
Genome position (GRCh38, 1-based): chr7:47,885,880, G deleted on the plus strand (C on the coding strand, the reverse complement: PKD1L1 is on the minus strand). VCF-style (leftmost placement, unchanged base first): chr7-47885879-AG-A. GRCh37 (hg19) VCF-style: chr7-47925477-AG-A.
Other names: c.3011delC (NM_138295.5); short protein forms A1004fs.
Identifiers: ClinVar variation 3336448 (VCV003336448.1).
Genomic context (GRCh38, chr7:47,885,879, plus strand): 5'-GTCCCCCGCAGGAGGAATCCAGTAGACTCCAGTCATGGGCTCTGTGGGGGTTCCCCTTGG[AG>A]CTGAAGTGGCAGGTTGGCCAAGGGTCACGGGTGAAGGTTCCCGTGAGAATGGTGTGGTCG-3'

ClinVar aggregate classification (germline): Pathogenic (1 of 4 stars; one submission).

Conditions:
Heterotaxy, visceral, 8, autosomal (HTX8). Identifiers: MedGen C4310668, MONDO:0014967, OMIM 617205.

Submission:

Women's Health and Genetics/Laboratory Corporation of America, LabCorp
Classification: Pathogenic for Heterotaxy, visceral, 8, autosomal. Last evaluated: 2024-05-22. Review status: criteria provided, single submitter. Criteria: LabCorp Variant Classification Summary - May 2015. Collection method: clinical testing. Allele origin: germline.
Comment: Variant summary: PKD1L1 c.3011delC (p.Ala1004ValfsX10) results in a premature termination codon, predicted to cause a truncation of the encoded protein or absence of the protein due to nonsense mediated decay, which are commonly known mechanisms for disease. The variant was absent in 251404 control chromosomes. To our knowledge, no occurrence of c.3011delC in individuals affected with Heterotaxy, Visceral, 8, Autosomal and no experimental evidence demonstrating its impact on protein function have been reported. No submitters have cited clinical-significance assessments for this variant to ClinVar. Based on the evidence outlined above, the variant was classified as pathogenic.